The following is an entry in ClinVar:

ClinVar aggregate classification (germline): Likely benign. Review status: criteria provided, multiple submitters, no conflicts (2 of 4 stars). 4 submissions from 4 submitters: Likely benign (4). Last evaluated 2025-01-16.

Conditions:
Cardiomyopathy (CMYO). Also called: Cardiomyopathies. Identifiers: Orphanet 167848, MedGen C0878544, MONDO:0004994, HP:0001638. Inheritance: Various modes of inheritance.
Cardiovascular phenotype. Identifiers: MedGen CN230736.
Hypertrophic cardiomyopathy. Also called: HYPERTROPHIC MYOCARDIOPATHY. Identifiers: Orphanet 217569, MedGen C0007194, MeSH D002312, MONDO:0005045, HP:0001639.

gnomAD v4.1: 1 of 1,614,212 alleles (0.000062%); no homozygotes.

Submissions (4):

Ambry Genetics
Classification: Likely benign for Cardiovascular phenotype. Last evaluated: 2025-01-16. Review status: criteria provided, single submitter. Criteria: Ambry Variant Classification Scheme 2023. Collection method: clinical testing. Allele origin: germline.

All of Us Research Program, National Institutes of Health
Classification: Likely benign for Cardiomyopathy. Last evaluated: 2024-07-20. Review status: criteria provided, single submitter. Criteria: ACMG Guidelines, 2015. Collection method: clinical testing. Allele origin: germline. Inheritance: Autosomal dominant inheritance. Observed: 2 variant alleles, 2 heterozygotes.
Comment: This study involves interpretation of variants in research participants for the purpose of population health screening. Participant phenotype was not available at the time of variant classification. Additional details can be found in publication PMID: 35346344, PMCID: PMC8962531

Blueprint Genetics
Classification: Likely benign. Last evaluated: 2023-02-17. Review status: criteria provided, single submitter. Criteria: ACMG Guidelines, 2015. Collection method: clinical testing. Allele origin: germline.

Labcorp Genetics (formerly Invitae), Labcorp
Classification: Likely benign for Hypertrophic cardiomyopathy. Last evaluated: 2021-07-26. Review status: criteria provided, single submitter. Criteria: Invitae Variant Classification Sherloc (09022015). Collection method: clinical testing. Allele origin: germline.

NM_000257.4(MYH7):c.4860A>G (p.Gly1620=)

Genes: MHRT (myosin heavy chain associated RNA transcript; plus strand), MYH7 (myosin heavy chain 7; minus strand), LOC126861897 (BRD4-independent group 4 enhancer GRCh37_chr14:23884455-23885654; plus strand). Cytogenetic location: 14q11.2.
Variant type: single nucleotide variant.
Coding change: c.4860A>G on transcript NM_000257.4 (MANE Select); coding-DNA position 4860, A replaced by G.
Protein change: p.Gly1620=; no amino-acid change (glycine 1620 retained).
Molecular consequence: synonymous variant. On other transcripts: non-coding transcript variant (1).
Genome position (GRCh38, 1-based): chr14:23,416,097, T>C on the plus strand (A>G on the coding strand, the complement: MYH7 is on the minus strand). VCF-style: chr14-23416097-T-C. GRCh37 (hg19) VCF-style: chr14-23885306-T-C.
Identifiers: ClinVar variation 1549277 (VCV001549277.12), dbSNP rs1595073316, ClinGen allele CA485766506.